The following is an entry in ClinVar:

ClinVar aggregate classification (germline): Uncertain significance. Review status: criteria provided, multiple submitters, no conflicts (2 of 4 stars). 3 submissions from 3 submitters: Uncertain significance (3). Last evaluated 2023-10-05.

Conditions:
Neonatal encephalomyopathy-cardiomyopathy-respiratory distress syndrome. Also called: Coenzyme Q10 deficiency, primary, 7. Identifiers: Orphanet 457185, MedGen C5568562, MONDO:0014562, OMIM 616276.
Inborn genetic diseases. Identifiers: MedGen C0950123, MeSH D030342.

Allele frequency attached by ClinVar (database versions not stated): gnomAD 0.00001; ExAC 0.00002; gnomAD exomes 0.00001; TOPMed 0.00002.
gnomAD v4.1: 15 of 1,613,948 alleles (0.00093%); highest among the groups gnomAD compares: Middle Eastern, 0.082%; no homozygotes.

Submissions (3):

Ambry Genetics
Classification: Uncertain significance for Inborn genetic diseases. Last evaluated: 2023-10-05. Review status: criteria provided, single submitter. Criteria: Ambry Variant Classification Scheme 2023. Collection method: clinical testing. Allele origin: germline.

Department of Pathology and Laboratory Medicine, Sinai Health System
Classification: Uncertain significance for Neonatal encephalomyopathy-cardiomyopathy-respiratory distress syndrome. Last evaluated: 2023-02-22. Review status: criteria provided, single submitter. Criteria: ACMG Guidelines, 2015. Collection method: research. Allele origin: germline.

Baylor Genetics
Classification: Uncertain significance for Neonatal encephalomyopathy-cardiomyopathy-respiratory distress syndrome. Last evaluated: 2019-10-30. Review status: criteria provided, single submitter. Criteria: ACMG Guidelines, 2015. Collection method: clinical testing. Allele origin: unknown. Affected: yes.
Comment: This variant was determined to be of uncertain significance according to ACMG Guidelines, 2015 [PMID:25741868].

NM_016035.5(COQ4):c.317C>T (p.Ser106Leu)

Gene: COQ4 (coenzyme Q4; plus strand). Cytogenetic location: 9q34.11.
Variant type: single nucleotide variant.
Coding change: c.317C>T on transcript NM_016035.5 (MANE Select); coding-DNA position 317, C replaced by T.
Protein change: p.Ser106Leu; replaces serine 106 with leucine.
Molecular consequence: missense variant. On other transcripts: nonsense (1).
Genome position (GRCh38, 1-based): chr9:128,325,796, C>T. VCF-style: chr9-128325796-C-T. GRCh37 (hg19) VCF-style: chr9-131088075-C-T.
Other names: c.220C>T, p.Arg74Ter (NM_001305942.2); c.317C>T (NM_016035.3); short protein forms R74*, S106L.
Identifiers: ClinVar variation 1030423 (VCV001030423.3), dbSNP rs767379261, ClinGen allele CA5260512.
Genomic context (GRCh38, chr9:128,325,796, plus strand): 5'-ACCTTTGCCCACACCCTCCCAATGCCCAAGTCTTGCCTTTCAGGGAGCGTCCCCGGATTT[C>T]GACATCCACCCTCGACCTGGGCAAGCTCCAGAGCCTGCCGGAAGGCTCCCTCGGTCGCGA-3'
Protein context (NP_057119.3, residues 96-116): AQILQERPRI[Ser106Leu]TSTLDLGKLQ